The following is an entry in ClinVar:

ClinVar aggregate classification (germline): Uncertain significance (1 of 4 stars; one submission).

Submission:

Labcorp Genetics (formerly Invitae), Labcorp
Classification: Uncertain significance. Last evaluated: 2023-02-23. Review status: criteria provided, single submitter. Criteria: Invitae Variant Classification Sherloc (09022015). Collection method: clinical testing. Allele origin: germline.
Comment: In summary, the available evidence is currently insufficient to determine the role of this variant in disease. Therefore, it has been classified as a Variant of Uncertain Significance. Variants that disrupt the consensus splice site are a relatively common cause of aberrant splicing (PMID: 17576681, 9536098). Algorithms developed to predict the effect of sequence changes on RNA splicing suggest that this variant is not likely to affect RNA splicing. This variant has not been reported in the literature in individuals affected with LOX-related conditions. This variant is not present in population databases (gnomAD no frequency). This sequence change falls in intron 4 of the LOX gene. It does not directly change the encoded amino acid sequence of the LOX protein. It affects a nucleotide within the consensus splice site.

Literature cited by the submitters: PubMed 17576681; PubMed 9536098.

NM_002317.7(LOX):c.1036-3T>G

Genes: LOX (lysyl oxidase; minus strand), SRFBP1 (serum response factor binding protein 1; plus strand). Cytogenetic location: 5q23.1.
Variant type: single nucleotide variant.
Coding change: c.1036-3T>G on transcript NM_002317.7 (MANE Select); 3 bases into the intron before coding-DNA position 1036, T replaced by G.
Molecular consequence: intron variant.
Genome position (GRCh38, 1-based): chr5:122,070,592, A>C on the plus strand (T>G on the coding strand, the complement: LOX is on the minus strand). VCF-style: chr5-122070592-A-C. GRCh37 (hg19) VCF-style: chr5-121406287-A-C.
Other names: c.346-3T>G (NM_001178102.2); c.145-3T>G (NM_001317073.1).
Identifiers: ClinVar variation 1947472 (VCV001947472.5), dbSNP rs2532902276, ClinGen allele CA2580072425.